The following is an entry in ClinVar:

NM_004168.4(SDHA):c.373G>A (p.Asp125Asn)

Gene: SDHA (succinate dehydrogenase complex flavoprotein subunit A; plus strand). Cytogenetic location: 5p15.33.
Variant type: single nucleotide variant.
Coding change: c.373G>A on transcript NM_004168.4 (MANE Select); coding-DNA position 373, G replaced by A.
Protein change: p.Asp125Asn; replaces aspartic acid 125 with asparagine.
Molecular consequence: missense variant. On other transcripts: intron variant (1).
Genome position (GRCh38, 1-based): chr5:225,479, G>A. VCF-style: chr5-225479-G-A. GRCh37 (hg19) VCF-style: chr5-225594-G-A.
Other names: c.373G>A, p.Asp125Asn (NM_001330758.2); c.313-404G>A (NM_001294332.2); short protein forms D125N.
Identifiers: ClinVar variation 472384 (VCV000472384.19), dbSNP rs780654623, ClinGen allele CA3172804.

ClinVar aggregate classification (germline): Uncertain significance. Review status: criteria provided, multiple submitters, no conflicts (2 of 4 stars). 4 submissions from 4 submitters: Uncertain significance (4). Last evaluated 2025-10-27.

Conditions:
SDHA-related disorder. Also called: SDHA-related condition; SDHA-related disorders.
Pheochromocytoma/paraganglioma syndrome 5. Also called: Paragangliomas 5; SDHA-Related Hereditary Paraganglioma-Pheochromocytoma Syndrome. Identifiers: Orphanet 29072, MedGen C3279992, MONDO:0013602, OMIM 614165.
Mitochondrial complex II deficiency, nuclear type 1. Also called: SUCCINATE CoQ REDUCTASE DEFICIENCY. Identifiers: Orphanet 3208, MedGen C5700310, MONDO:0100294, OMIM 252011.
Hereditary cancer-predisposing syndrome. Also called: Neoplastic Syndromes, Hereditary; Hereditary Cancer Syndrome; Tumor predisposition; Hereditary neoplastic syndrome. Identifiers: Orphanet 140162, MedGen C0027672, MeSH D009386, MONDO:0015356.

Allele frequency attached by ClinVar (database versions not stated): gnomAD exomes 0.00001; ExAC 0.00002.
gnomAD v4.1: 13 of 1,613,722 alleles (0.00081%); highest among the groups gnomAD compares: Admixed American, 0.0033%; no homozygotes.

Submissions (4):

Ambry Genetics
Classification: Uncertain significance for Hereditary cancer-predisposing syndrome. Last evaluated: 2025-10-27. Review status: criteria provided, single submitter. Criteria: Ambry Variant Classification Scheme 2023. Collection method: clinical testing. Allele origin: germline.
Comment: The p.D125N variant (also known as c.373G>A), located in coding exon 4 of the SDHA gene, results from a G to A substitution at nucleotide position 373. This variant was reported in individual(s) with features consistent with SDHA-related hereditary pheochromocytoma-paraganglioma (Ambry internal data). The aspartic acid at codon 125 is replaced by asparagine, an amino acid with highly similar properties. This amino acid position is highly conserved in available vertebrate species. In addition, the in silico prediction for this alteration is inconclusive. Based on the available evidence, the clinical significance of this variant remains unclear.

Labcorp Genetics (formerly Invitae), Labcorp
Classification: Uncertain significance for Pheochromocytoma/paraganglioma syndrome 5; Mitochondrial complex II deficiency, nuclear type 1. Last evaluated: 2025-10-02. Review status: criteria provided, single submitter. Criteria: Invitae Variant Classification Sherloc (09022015). Collection method: clinical testing. Allele origin: germline.
Comment: This sequence change replaces aspartic acid, which is acidic and polar, with asparagine, which is neutral and polar, at codon 125 of the SDHA protein (p.Asp125Asn). This variant is present in population databases (rs780654623, gnomAD 0.006%). This variant has not been reported in the literature in individuals affected with SDHA-related conditions. ClinVar contains an entry for this variant (Variation ID: 472384). Invitae Evidence Modeling of protein sequence and biophysical properties (such as structural, functional, and spatial information, amino acid conservation, physicochemical variation, residue mobility, and thermodynamic stability) has been performed for this missense variant. However, the output from this modeling did not meet the statistical confidence thresholds required to predict the impact of this variant on SDHA protein function. In summary, the available evidence is currently insufficient to determine the role of this variant in disease. Therefore, it has been classified as a Variant of Uncertain Significance.

PreventionGenetics, part of Exact Sciences
Classification: Uncertain significance for SDHA-related condition. Last evaluated: 2024-12-22. Review status: criteria provided, single submitter. Criteria: ACMG Guidelines, 2015. Collection method: clinical testing. Allele origin: germline.
Comment: The SDHA c.373G>A variant is predicted to result in the amino acid substitution p.Asp125Asn. To our knowledge, this variant has not been reported in the literature. This variant is reported in 0.0065% of alleles in individuals of South Asian descent in gnomAD and is interpreted as a variant of uncertain significance in ClinVar. At this time, the clinical significance of this variant is uncertain due to the absence of conclusive functional and genetic evidence.

Genetic Services Laboratory, University of Chicago
Classification: Uncertain significance. Last evaluated: 2019-02-22. Review status: criteria provided, single submitter. Criteria: ACMG Guidelines, 2015. Collection method: clinical testing. Allele origin: germline. Affected: no.